The following is an entry in ClinVar:

NM_006996.3(SLC19A2):c.1006G>T (p.Val336Leu)

Gene: SLC19A2 (solute carrier family 19 member 2; minus strand). Cytogenetic location: 1q24.2.
Variant type: single nucleotide variant.
Coding change: c.1006G>T on transcript NM_006996.3 (MANE Select); coding-DNA position 1006, G replaced by T.
Protein change: p.Val336Leu; replaces valine 336 with leucine.
Molecular consequence: missense variant.
Genome position (GRCh38, 1-based): chr1:169,469,988, C>A on the plus strand (G>T on the coding strand, the complement: SLC19A2 is on the minus strand). VCF-style: chr1-169469988-C-A. GRCh37 (hg19) VCF-style: chr1-169439226-C-A.
Other names: c.403G>T, p.Val135Leu (NM_001319667.1); short protein forms V135L, V336L.
Identifiers: ClinVar variation 2466439 (VCV002466439.5), dbSNP rs148047353, ClinGen allele CA1232958.

ClinVar aggregate classification (germline): Uncertain significance. Review status: criteria provided, multiple submitters, no conflicts (2 of 4 stars). 3 submissions from 3 submitters: Uncertain significance (3). Last evaluated 2025-09-10.

Conditions:
Megaloblastic anemia, thiamine-responsive, with diabetes mellitus and sensorineural deafness (TRMA). Also called: THIAMINE METABOLISM DYSFUNCTION SYNDROME 1 (MEGALOBLASTIC ANEMIA, DIABETES MELLITUS, AND DEAFNESS TYPE); Thiamine-Responsive Megaloblastic Anemia Syndrome; ROGERS SYNDROME; THIAMINE-RESPONSIVE ANEMIA SYNDROME; THIAMINE-RESPONSIVE MYELODYSPLASIA. Identifiers: Orphanet 49827, MedGen C0342287, MONDO:0009575, OMIM 249270.
Inborn genetic diseases. Identifiers: MedGen C0950123, MeSH D030342.

Allele frequency attached by ClinVar (database versions not stated): ESP Exome Variant Server 0.00015; 1000 Genomes Project 30x 0.00016; 1000 Genomes Project 0.00020.
gnomAD v4.1: 33 of 1,613,858 alleles (0.002%); highest among the groups gnomAD compares: African/African-American, 0.035%; no homozygotes.

Submissions (3):

Labcorp Genetics (formerly Invitae), Labcorp
Classification: Uncertain significance. Last evaluated: 2025-09-10. Review status: criteria provided, single submitter. Criteria: Invitae Variant Classification Sherloc (09022015). Collection method: clinical testing. Allele origin: germline.
Comment: This sequence change replaces valine, which is neutral and non-polar, with leucine, which is neutral and non-polar, at codon 336 of the SLC19A2 protein (p.Val336Leu). This variant is present in population databases (rs148047353, gnomAD 0.05%). This variant has not been reported in the literature in individuals affected with SLC19A2-related conditions. ClinVar contains an entry for this variant (Variation ID: 2466439). Invitae Evidence Modeling of protein sequence and biophysical properties (such as structural, functional, and spatial information, amino acid conservation, physicochemical variation, residue mobility, and thermodynamic stability) indicates that this missense variant is expected to disrupt SLC19A2 protein function with a positive predictive value of 95%. In summary, the available evidence is currently insufficient to determine the role of this variant in disease. Therefore, it has been classified as a Variant of Uncertain Significance.

Ambry Genetics
Classification: Uncertain significance for Inborn genetic diseases. Last evaluated: 2025-08-30. Review status: criteria provided, single submitter. Criteria: Ambry Variant Classification Scheme 2023. Collection method: clinical testing. Allele origin: germline.

Fulgent Genetics
Classification: Uncertain significance for Megaloblastic anemia, thiamine-responsive, with diabetes mellitus and sensorineural deafness. Last evaluated: 2024-03-29. Review status: criteria provided, single submitter. Criteria: ACMG Guidelines, 2015. Collection method: clinical testing. Allele origin: germline.